The following is an entry in ClinVar:

NM_005359.6(SMAD4):c.-133G>A

Gene: SMAD4 (SMAD family member 4; plus strand). Cytogenetic location: 18q21.2.
Variant type: single nucleotide variant.
Coding change: c.-133G>A on transcript NM_005359.6 (MANE Select); 133 bases upstream of the start codon, G replaced by A.
Molecular consequence: 5 prime UTR variant.
Genome position (GRCh38, 1-based): chr18:51,030,618, G>A. VCF-style: chr18-51030618-G-A. GRCh37 (hg19) VCF-style: chr18-48556988-G-A.
Identifiers: ClinVar variation 388624 (VCV000388624.1), dbSNP rs1012501055, ClinGen allele CA16607591.

ClinVar aggregate classification (germline): Likely benign (1 of 4 stars; one submission).

Allele frequency attached by ClinVar (database versions not stated): TOPMed 0.00002 and 0.00001; gnomAD 0.00001.

Submission:

GeneDx
Classification: Likely benign. Last evaluated: 2016-08-18. Review status: criteria provided, single submitter. Criteria: GeneDx Variant Classification (06012015). Collection method: clinical testing. Allele origin: germline. Affected: yes.
Comment: This variant is considered likely benign or benign based on one or more of the following criteria: it is a conservative change, it occurs at a poorly conserved position in the protein, it is predicted to be benign by multiple in silico algorithms, and/or has population frequency not consistent with disease.